The following is an entry in ClinVar:

ClinVar aggregate classification (germline): Uncertain significance (1 of 4 stars; one submission).

Submission:

CeGaT Center for Human Genetics Tuebingen
Classification: Uncertain significance. Last evaluated: 2023-01-01. Review status: criteria provided, single submitter. Criteria: CeGaT Center For Human Genetics Tuebingen Variant Classification Criteria Version 2. Collection method: clinical testing. Allele origin: germline. Affected: yes. Observed: 1 variant allele.
Comment: SYN1: PM2

NM_006950.3(SYN1):c.1718C>T (p.Ala573Val)

Gene: SYN1 (synapsin I; minus strand). Cytogenetic location: Xp11.3.
Variant type: single nucleotide variant.
Coding change: c.1718C>T on transcript NM_006950.3 (MANE Select); coding-DNA position 1718, C replaced by T.
Protein change: p.Ala573Val; replaces alanine 573 with valine.
Molecular consequence: missense variant.
Genome position (GRCh38, 1-based): chrX:47,574,266, G>A on the plus strand (C>T on the coding strand, the complement: SYN1 is on the minus strand). VCF-style: chrX-47574266-G-A. GRCh37 (hg19) VCF-style: chrX-47433665-G-A.
Other names: c.1718C>T, p.Ala573Val (NM_133499.2); short protein forms A573V.
Identifiers: ClinVar variation 2499134 (VCV002499134.28), dbSNP rs2519684744, ClinGen allele CA412822795.
Genomic context (GRCh38, chrX:47,574,266, plus strand): 5'-TTCTGGGGCGGGCCCTGGCGCTGCTGCCCGCCCGGTGGGGCCCCAGAGGCCTTTGGCGGA[G>A]CCGGGCCAGAGACGGATGTCTGACGGGTAGCCTGTGGGGGGCCCGCCTGGCGCTGGGGAG-3'
Protein context (NP_008881.2, residues 563-583): ATRQTSVSGP[Ala573Val]PPKASGAPPG